The following is an entry in ClinVar:

NM_206933.4(USH2A):c.253A>G (p.Ile85Val)

Gene: USH2A (usherin; minus strand). Cytogenetic location: 1q41.
Variant type: single nucleotide variant.
Coding change: c.253A>G on transcript NM_206933.4 (MANE Select); coding-DNA position 253, A replaced by G.
Protein change: p.Ile85Val; replaces isoleucine 85 with valine.
Molecular consequence: missense variant.
Genome position (GRCh38, 1-based): chr1:216,422,084, T>C on the plus strand (A>G on the coding strand, the complement: USH2A is on the minus strand). VCF-style: chr1-216422084-T-C. GRCh37 (hg19) VCF-style: chr1-216595426-T-C.
Other names: c.253A>G, p.Ile85Val (NM_007123.6); short protein forms I85V.
Identifiers: ClinVar variation 444208 (VCV000444208.47), dbSNP rs770983063, ClinGen allele CA1396828.

ClinVar aggregate classification (germline): Uncertain significance. Review status: criteria provided, multiple submitters, no conflicts (2 of 4 stars). 6 submissions from 5 submitters: Uncertain significance (5). 1 of the submissions does not count toward it. Last evaluated 2023-11-04.

Conditions:
Retinitis pigmentosa 39 (RP39). Identifiers: Orphanet 791, MedGen C3151138, MONDO:0013436, OMIM 613809.
Usher syndrome type 2A. Also called: USHER SYNDROME, TYPE IIA; RETINAL DISEASE IN USHER SYNDROME TYPE IIA, MODIFIER OF. Identifiers: Orphanet 231178, Orphanet 886, MedGen C1848634, MONDO:0010169, OMIM 276901.

Allele frequency attached by ClinVar (database versions not stated): ExAC 0.00001.
gnomAD v4.1: 3 of 1,613,798 alleles (0.00019%); highest among the groups gnomAD compares: Middle Eastern, 0.033%; no homozygotes.

Submissions (6):

Genome-Nilou Lab
Classification: Uncertain significance for Retinitis pigmentosa 39. Last evaluated: 2023-11-04. Review status: criteria provided, single submitter. Criteria: ACMG Guidelines, 2015. Collection method: clinical testing. Allele origin: germline. Affected: no.

Genome-Nilou Lab
Classification: Uncertain significance for Usher syndrome type 2A. Last evaluated: 2023-11-04. Review status: criteria provided, single submitter. Criteria: ACMG Guidelines, 2015. Collection method: clinical testing. Allele origin: germline. Affected: no.

Labcorp Genetics (formerly Invitae), Labcorp
Classification: Uncertain significance. Last evaluated: 2022-08-16. Review status: criteria provided, single submitter. Criteria: Invitae Variant Classification Sherloc (09022015). Collection method: clinical testing. Allele origin: germline.
Comment: This sequence change replaces isoleucine, which is neutral and non-polar, with valine, which is neutral and non-polar, at codon 85 of the USH2A protein (p.Ile85Val). This variant is present in population databases (rs770983063, gnomAD 0.0009%). This variant has not been reported in the literature in individuals affected with USH2A-related conditions. ClinVar contains an entry for this variant (Variation ID: 444208). Algorithms developed to predict the effect of missense changes on protein structure and function output the following: SIFT: "Tolerated"; PolyPhen-2: "Benign"; Align-GVGD: "Class C0". The valine amino acid residue is found in multiple mammalian species, which suggests that this missense change does not adversely affect protein function. In summary, the available evidence is currently insufficient to determine the role of this variant in disease. Therefore, it has been classified as a Variant of Uncertain Significance.

Blueprint Genetics
Classification: Uncertain significance. Last evaluated: 2021-02-18. Review status: criteria provided, single submitter. Criteria: ACMG Guidelines, 2015. Collection method: clinical testing. Allele origin: germline.

CeGaT Center for Human Genetics Tuebingen
Classification: Uncertain significance. Last evaluated: 2017-04-01. Review status: criteria provided, single submitter. Criteria: CeGaT Center For Human Genetics Tuebingen Variant Classification Criteria Version 2. Collection method: clinical testing. Allele origin: germline. Affected: yes. Observed: 1 variant allele.

Natera, Inc.
Classification: Uncertain significance for Usher syndrome type 2A. Last evaluated: 2020-02-06. Review status: no assertion criteria provided. Collection method: clinical testing. Allele origin: germline. Not counted in ClinVar's aggregate classification.